The following is an entry in ClinVar:

ClinVar aggregate classification (germline): Likely benign (1 of 4 stars; one submission).

Submission:

CeGaT Center for Human Genetics Tuebingen
Classification: Likely benign. Last evaluated: 2023-01-01. Review status: criteria provided, single submitter. Criteria: CeGaT Center For Human Genetics Tuebingen Variant Classification Criteria Version 2. Collection method: clinical testing. Allele origin: germline. Affected: yes. Observed: 1 variant allele.
Comment: WASH4P: PM2:Supporting, BP4, BP7

NC_000016.10:g.18694T>C

Variant type: single nucleotide variant.
Genome position: GRCh38 VCF-style: chr16-18694-T-C. GRCh37 (hg19) VCF-style: chr16-68694-T-C.
Identifiers: ClinVar variation 2645763 (VCV002645763.23), dbSNP rs2505568893, ClinGen allele CA492762024.